The following is an entry in ClinVar:

NM_001287.6(CLCN7):c.1918C>T (p.Arg640Trp)

Gene: CLCN7 (Cl-/H+ antiporter 7; minus strand). Cytogenetic location: 16p13.3.
Variant type: single nucleotide variant.
Coding change: c.1918C>T on transcript NM_001287.6 (MANE Select); coding-DNA position 1918, C replaced by T.
Protein change: p.Arg640Trp; replaces arginine 640 with tryptophan.
Molecular consequence: missense variant.
Genome position (GRCh38, 1-based): chr16:1,448,450, G>A on the plus strand (C>T on the coding strand, the complement: CLCN7 is on the minus strand). VCF-style: chr16-1448450-G-A. GRCh37 (hg19) VCF-style: chr16-1498451-G-A.
Other names: c.1918C>T (NM_001287.4); c.1846C>T, p.Arg616Trp (NM_001114331.3); short protein forms R640W, R616W.
Identifiers: ClinVar variation 1906035 (VCV001906035.7), dbSNP rs1400598641, ClinGen allele CA394186170.

ClinVar aggregate classification (germline): Uncertain significance. Review status: criteria provided, multiple submitters, no conflicts (2 of 4 stars). 2 submissions from 2 submitters: Uncertain significance (2). Last evaluated 2025-09-18.

Conditions:
Inborn genetic diseases. Identifiers: MedGen C0950123, MeSH D030342.

Allele frequency attached by ClinVar (database versions not stated): gnomAD 0.00001; gnomAD exomes 0.00002; TOPMed 0.00002.
gnomAD v4.1: 32 of 1,611,396 alleles (0.002%); highest among the groups gnomAD compares: East Asian, 0.04%; no homozygotes.

Submissions (3):

Labcorp Genetics (formerly Invitae), Labcorp
Classification: Uncertain significance. Last evaluated: 2025-09-18. Review status: criteria provided, single submitter. Criteria: Invitae Variant Classification Sherloc (09022015). Collection method: clinical testing. Allele origin: germline.
Comment: This sequence change replaces arginine, which is basic and polar, with tryptophan, which is neutral and slightly polar, at codon 640 of the CLCN7 protein (p.Arg640Trp). This variant is present in population databases (no rsID available, gnomAD 0.007%). This variant has not been reported in the literature in individuals affected with CLCN7-related conditions. ClinVar contains an entry for this variant (Variation ID: 1906035). An algorithm developed to predict the effect of missense changes on protein structure and function (PolyPhen-2) suggests that this variant is likely to be disruptive. In summary, the available evidence is currently insufficient to determine the role of this variant in disease. Therefore, it has been classified as a Variant of Uncertain Significance.

Ambry Genetics
Classification: Uncertain significance for Inborn genetic diseases. Last evaluated: 2024-10-24. Review status: criteria provided, single submitter. Criteria: Ambry Variant Classification Scheme 2023. Collection method: clinical testing. Allele origin: germline.

Dr. Peter K. Rogan Lab, Western University
No classification provided (evidence only). Condition: Acute myeloid leukemia. Review status: no classification provided. Collection method: in vitro. Allele origin: not applicable. Functional consequence: skipped exon. Not counted in ClinVar's aggregate classification.